The following is an entry in ClinVar:

ClinVar aggregate classification (germline): Likely pathogenic. Review status: criteria provided, multiple submitters, no conflicts (2 of 4 stars). 2 submissions from 2 submitters: Likely pathogenic (2). Last evaluated 2025-01-17.

Conditions:
Mucopolysaccharidosis, MPS-III-B (MPS3B). Also called: N-ACETYL-ALPHA-D-GLUCOSAMINIDASE DEFICIENCY; NAGLU DEFICIENCY; SANFILIPPO SYNDROME B; Mucopolysaccharidosis type IIIB (Sanfilippo B); MPS IIIB (Sanfilippo Syndrome Type B); MUCOPOLYSACCHARIDOSIS, TYPE IIIB. Identifiers: Orphanet 79270, MedGen C0086648, MONDO:0009656, OMIM 252920.
Charcot-Marie-Tooth disease axonal type 2V. Also called: CHARCOT-MARIE-TOOTH NEUROPATHY, TYPE 2V; CHARCOT-MARIE-TOOTH DISEASE, AXONAL, AUTOSOMAL DOMINANT, TYPE 2V. Identifiers: Orphanet 447964, MedGen C5569050, MONDO:0014665, OMIM 616491.

Submissions (2):

Labcorp Genetics (formerly Invitae), Labcorp
Classification: Likely pathogenic for Charcot-Marie-Tooth disease axonal type 2V; Mucopolysaccharidosis, MPS-III-B. Last evaluated: 2025-01-17. Review status: criteria provided, single submitter. Criteria: Invitae Variant Classification Sherloc (09022015). Collection method: clinical testing. Allele origin: germline.
Comment: This sequence change replaces tyrosine, which is neutral and polar, with serine, which is neutral and polar, at codon 335 of the NAGLU protein (p.Tyr335Ser). This variant is not present in population databases (gnomAD no frequency). This variant has not been reported in the literature in individuals affected with NAGLU-related conditions. ClinVar contains an entry for this variant (Variation ID: 803393). Invitae Evidence Modeling of protein sequence and biophysical properties (such as structural, functional, and spatial information, amino acid conservation, physicochemical variation, residue mobility, and thermodynamic stability) has been performed for this missense variant. However, the output from this modeling did not meet the statistical confidence thresholds required to predict the impact of this variant on NAGLU protein function. This variant disrupts the p.Tyr335 amino acid residue in NAGLU. Other variant(s) that disrupt this residue have been determined to be pathogenic (PMID: 16151907, 30070758, 33763395). This suggests that this residue is clinically significant, and that variants that disrupt this residue are likely to be disease-causing. In summary, the currently available evidence indicates that the variant is pathogenic, but additional data are needed to prove that conclusively. Therefore, this variant has been classified as Likely Pathogenic.

Mendelics
Classification: Likely pathogenic for Mucopolysaccharidosis, MPS-III-B. Last evaluated: 2019-05-28. Review status: criteria provided, single submitter. Criteria: Mendelics Assertion Criteria 2017. Collection method: clinical testing. Allele origin: unknown.

Literature cited by the submitters: PubMed 16151907 (cited by Labcorp Genetics (formerly Invitae), Labcorp); PubMed 30070758 (cited by Labcorp Genetics (formerly Invitae), Labcorp); PubMed 33763395 (cited by Labcorp Genetics (formerly Invitae), Labcorp).

NM_000263.4(NAGLU):c.1004A>C (p.Tyr335Ser)

Gene: NAGLU (N-acetyl-alpha-glucosaminidase; plus strand). Cytogenetic location: 17q21.2.
Variant type: single nucleotide variant.
Coding change: c.1004A>C on transcript NM_000263.4 (MANE Select); coding-DNA position 1004, A replaced by C.
Protein change: p.Tyr335Ser; replaces tyrosine 335 with serine.
Molecular consequence: missense variant.
Genome position (GRCh38, 1-based): chr17:42,541,189, A>C. VCF-style: chr17-42541189-A-C. GRCh37 (hg19) VCF-style: chr17-40693207-A-C.
Other names: short protein forms Y335S.
Identifiers: ClinVar variation 803393 (VCV000803393.5), dbSNP rs768918822, ClinGen allele CA399600389.